The following is an entry in ClinVar:

NM_000138.5(FBN1):c.892A>C (p.Ile298Leu)

Gene: FBN1 (fibrillin 1; minus strand). Cytogenetic location: 15q21.1.
Variant type: single nucleotide variant.
Coding change: c.892A>C on transcript NM_000138.5 (MANE Select); coding-DNA position 892, A replaced by C.
Protein change: p.Ile298Leu; replaces isoleucine 298 with leucine.
Molecular consequence: missense variant.
Genome position (GRCh38, 1-based): chr15:48,526,226, T>G on the plus strand (A>C on the coding strand, the complement: FBN1 is on the minus strand). VCF-style: chr15-48526226-T-G. GRCh37 (hg19) VCF-style: chr15-48818423-T-G.
Other names: c.892A>C, p.Ile298Leu (NM_001406716.1); short protein forms I298L.
Identifiers: ClinVar variation 5021585 (VCV005021585.1).
Genomic context (GRCh38, chr15:48,526,226, plus strand): 5'-CAGGGGGACATTTGCAAAAGTAACTGCTGACTGTGTTTGTACATTCACCCCCTTCACAGA[T>G]TCCAGGAATGGTGCTGCATTCATCAATATCTGGAATATAAAAAAAAGAATCTCAGCATTT-3'
Protein context (NP_000129.3, residues 288-308): DIDECSTIPG[Ile298Leu]CEGGECTNTV

ClinVar aggregate classification (germline): Uncertain significance (1 of 4 stars; one submission).

Conditions:
Familial thoracic aortic aneurysm and aortic dissection (TAAD). Also called: Thoracic aortic aneurysms and dissections. Identifiers: Orphanet 91387, MedGen C4707243, MONDO:0019625.

Submission:

Ambry Genetics
Classification: Uncertain significance for Familial thoracic aortic aneurysm and aortic dissection. Last evaluated: 2026-07-07. Review status: criteria provided, single submitter. Criteria: Ambry Variant Classification Scheme 2023. Collection method: clinical testing. Allele origin: germline.
Comment: The p.I298L variant (also known as c.892A>C), located in coding exon 8 of the FBN1 gene, results from an A to C substitution at nucleotide position 892. The isoleucine at codon 298 is replaced by leucine, an amino acid with highly similar properties. This amino acid position is conserved. In addition, this alteration is predicted to be tolerated by in silico analysis. Based on the available evidence, the clinical significance of this variant remains unclear.